The following is an entry in ClinVar:

ClinVar aggregate classification (germline): Uncertain significance (1 of 4 stars; one submission).

Conditions:
Inborn genetic diseases. Identifiers: MedGen C0950123, MeSH D030342.

Submission:

Ambry Genetics
Classification: Uncertain significance for Inborn genetic diseases. Last evaluated: 2025-03-14. Review status: criteria provided, single submitter. Criteria: Ambry Variant Classification Scheme 2023. Collection method: clinical testing. Allele origin: germline.
Comment: The p.G148R variant (also known as c.442G>C), located in coding exon 5 of the BUB1B gene, results from a G to C substitution at nucleotide position 442. The glycine at codon 148 is replaced by arginine, an amino acid with dissimilar properties. This amino acid position is conserved. In addition, this alteration is predicted to be deleterious by in silico analysis. Based on the available evidence, the clinical significance of this variant remains unclear.

NM_001211.6(BUB1B):c.442G>C (p.Gly148Arg)

Gene: BUB1B (BUB1 mitotic checkpoint serine/threonine kinase B; plus strand). Cytogenetic location: 15q15.1.
Variant type: single nucleotide variant.
Coding change: c.442G>C on transcript NM_001211.6 (MANE Select); coding-DNA position 442, G replaced by C.
Protein change: p.Gly148Arg; replaces glycine 148 with arginine.
Molecular consequence: missense variant.
Genome position (GRCh38, 1-based): chr15:40,176,534, G>C. VCF-style: chr15-40176534-G-C. GRCh37 (hg19) VCF-style: chr15-40468735-G-C.
Other names: short protein forms G148R.
Identifiers: ClinVar variation 3826137 (VCV003826137.1).
Genomic context (GRCh38, chr15:40,176,534, plus strand): 5'-CAGGGGCGTTTATGCAATGAGCCTTTGGATATGTACAGTTACTTGCACAACCAAGGGATT[G>C]GTGTTTCACTTGCTCAGTTCTATATCTCATGGGCAGAAGAATATGAAGCTAGAGAAAACT-3'
Protein context (NP_001202.5, residues 138-158): MYSYLHNQGI[Gly148Arg]VSLAQFYISW